The following is an entry in ClinVar:

ClinVar aggregate classification (germline): Uncertain significance (1 of 4 stars; one submission).

Conditions:
Hereditary cancer-predisposing syndrome. Also called: Tumor predisposition; Hereditary neoplastic syndrome; Neoplastic Syndromes, Hereditary; Hereditary Cancer Syndrome. Identifiers: Orphanet 140162, MedGen C0027672, MeSH D009386, MONDO:0015356.

Submission:

Ambry Genetics
Classification: Uncertain significance for Hereditary cancer-predisposing syndrome. Last evaluated: 2020-12-08. Review status: criteria provided, single submitter. Criteria: Ambry Variant Classification Scheme 2023. Collection method: clinical testing. Allele origin: germline.
Comment: The p.V487I variant (also known as c.1459G>A), located in coding exon 4 of the PALB2 gene, results from a G to A substitution at nucleotide position 1459. The valine at codon 487 is replaced by isoleucine, an amino acid with highly similar properties. This amino acid position is not well conserved in available vertebrate species. In addition, this alteration is predicted to be tolerated by in silico analysis. Since supporting evidence is limited at this time, the clinical significance of this alteration remains unclear.

NM_024675.4(PALB2):c.1459G>A (p.Val487Ile)

Gene: PALB2 (partner and localizer of BRCA2; minus strand). Cytogenetic location: 16p12.2.
Variant type: single nucleotide variant.
Coding change: c.1459G>A on transcript NM_024675.4 (MANE Select); coding-DNA position 1459, G replaced by A.
Protein change: p.Val487Ile; replaces valine 487 with isoleucine.
Molecular consequence: missense variant.
Genome position (GRCh38, 1-based): chr16:23,635,087, C>T on the plus strand (G>A on the coding strand, the complement: PALB2 is on the minus strand). VCF-style: chr16-23635087-C-T. GRCh37 (hg19) VCF-style: chr16-23646408-C-T.
Other names: short protein forms V487I.
Identifiers: ClinVar variation 819271 (VCV000819271.4), dbSNP rs1597095975, ClinGen allele CA395131199.